The following is an entry in ClinVar:

ClinVar aggregate classification (germline): Uncertain significance (1 of 4 stars; one submission).

Conditions:
Sulfite oxidase deficiency due to molybdenum cofactor deficiency type C. Also called: Molybdenum cofactor deficiency C; Molybdenum cofactor deficiency, complementation group C. Identifiers: Orphanet 308400, Orphanet 833, MedGen C1854990, MONDO:0014212, OMIM 615501.

Submission:

Labcorp Genetics (formerly Invitae), Labcorp
Classification: Uncertain significance for Sulfite oxidase deficiency due to molybdenum cofactor deficiency type C. Last evaluated: 2022-07-31. Review status: criteria provided, single submitter. Criteria: Invitae Variant Classification Sherloc (09022015). Collection method: clinical testing. Allele origin: germline.
Comment: In summary, the available evidence is currently insufficient to determine the role of this variant in disease. Therefore, it has been classified as a Variant of Uncertain Significance. Experimental studies and prediction algorithms are not available or were not evaluated, and the effect of this variant on mRNA splicing is currently unknown. This variant has not been reported in the literature in individuals affected with GPHN-related conditions. This variant is not present in population databases (gnomAD no frequency). This sequence change falls in intron 12 of the GPHN gene. It does not directly change the encoded amino acid sequence of the GPHN protein.

NM_020806.5(GPHN):c.1238-3_1238-2del

Gene: GPHN (gephyrin; plus strand). Cytogenetic location: 14q23.3.
Variant type: Microsatellite.
Coding change: c.1238-3_1238-2del on transcript NM_020806.5 (MANE Select); 3 bases into the intron before coding-DNA position 1238 through the canonical splice acceptor site of the intron before coding-DNA position 1238, 2 bases deleted (CA; older notation c.1238-3_1238-2delCA).
Molecular consequence: splice acceptor variant.
Genome position (GRCh38, 1-based): chr14:67,100,853-67,100,854, CA deleted; deleting any 2 consecutive bases within chr14:67,100,851-67,100,854 gives the same sequence; the c. name uses the placement nearest the transcript's 3' end. VCF-style (leftmost placement, unchanged base first): chr14-67100850-TCA-T. GRCh37 (hg19) VCF-style: chr14-67567567-TCA-T.
Other names: c.1298-3_1298-2del (NM_001377514.1); c.1178-3_1178-2del (NM_001377519.1); c.1268-3_1268-2del (NM_001377515.1); c.1259-3_1259-2del (NM_001377516.1); c.1196-3_1196-2del (NM_001377518.1); c.1211-3_1211-2del (NM_001377517.1); c.1139-3_1139-2del (NM_001024218.2).
Identifiers: ClinVar variation 1910520 (VCV001910520.5), dbSNP rs1199608337, ClinGen allele CA707930509.